The following is an entry in ClinVar:

NM_000179.3(MSH6):c.1933_1949del (p.Glu645fs)

Gene: MSH6 (mutS homolog 6; plus strand). Cytogenetic location: 2p16.3.
Variant type: Deletion.
Coding change: c.1933_1949del on transcript NM_000179.3 (MANE Select); coding-DNA positions 1933 to 1949, 17 bases deleted (GAAAAGCTAAGTGATGG).
Protein change: p.Glu645fs; shifts the reading frame from glutamic acid 645.
Molecular consequence: frameshift variant.
Genome position (GRCh38, 1-based): chr2:47,799,916-47,799,932, GAAAAGCTAAGTGATGG deleted; deleting any 17 consecutive bases within chr2:47,799,914-47,799,932 gives the same sequence; the c. name uses the placement nearest the transcript's 3' end. VCF-style (leftmost placement, unchanged base first): chr2-47799913-AGGGAAAAGCTAAGTGAT-A. GRCh37 (hg19) VCF-style: chr2-48027052-AGGGAAAAGCTAAGTGAT-A.
Other names: c.1933_1949del17 (NM_000179.2); c.1543_1559del, p.Glu515fs (NM_001281492.2); c.1027_1043del, p.Glu343fs (NM_001281493.2, NM_001281494.2); short protein forms E515fs, E645fs, E343fs.
Identifiers: ClinVar variation 954820 (VCV000954820.12), dbSNP rs1669395325, ClinGen allele CA1139655704.
Genomic context (GRCh38, chr2:47,799,913, plus strand): 5'-GGCTCCCAGTTTTGGGATGCATCCAAAACTTTGAGAACTCTCCTTGAGGAAGAATATTTT[AGGGAAAAGCTAAGTGAT>A]GGCATTGGGGTGATGTTACCCCAGGTGCTTAAAGGTATGACTTCAGAGTCTGATTCCATT-3'

ClinVar aggregate classification (germline): Pathogenic. Review status: criteria provided, multiple submitters, no conflicts (2 of 4 stars). 3 submissions from 3 submitters: Pathogenic (3). Last evaluated 2025-07-03.

Conditions:
Lynch syndrome 5 (LYNCH5). Also called: Hereditary non-polyposis colorectal cancer, type 5; Colorectal cancer, hereditary nonpolyposis, type 5. Identifiers: Orphanet 144, MedGen C1833477, MONDO:0013710, OMIM 614350. Disease mechanism: loss of function.
Hereditary nonpolyposis colorectal neoplasms. Identifiers: MedGen C0009405, MeSH D003123.
Hereditary cancer-predisposing syndrome. Also called: Hereditary neoplastic syndrome; Tumor predisposition; Neoplastic Syndromes, Hereditary; Hereditary Cancer Syndrome. Identifiers: Orphanet 140162, MedGen C0027672, MeSH D009386, MONDO:0015356.

Submissions (3):

Ambry Genetics
Classification: Pathogenic for Hereditary cancer-predisposing syndrome. Last evaluated: 2025-07-03. Review status: criteria provided, single submitter. Criteria: Ambry Variant Classification Scheme 2023. Collection method: clinical testing. Allele origin: germline.
Comment: The c.1933_1949del17 pathogenic mutation, located in coding exon 4 of the MSH6 gene, results from a deletion of 17 nucleotides at nucleotide positions 1933 to 1949, causing a translational frameshift with a predicted alternate stop codon (p.E645Hfs*10). This alteration is expected to result in loss of function by premature protein truncation or nonsense-mediated mRNA decay. As such, this alteration is interpreted as a disease-causing mutation.

Labcorp Genetics (formerly Invitae), Labcorp
Classification: Pathogenic for Hereditary nonpolyposis colorectal neoplasms. Last evaluated: 2024-09-23. Review status: criteria provided, single submitter. Criteria: Invitae Variant Classification Sherloc (09022015). Collection method: clinical testing. Allele origin: germline.
Comment: This sequence change creates a premature translational stop signal (p.Glu645Hisfs*10) in the MSH6 gene. It is expected to result in an absent or disrupted protein product. Loss-of-function variants in MSH6 are known to be pathogenic (PMID: 18269114, 24362816). This variant is not present in population databases (gnomAD no frequency). This variant has not been reported in the literature in individuals affected with MSH6-related conditions. ClinVar contains an entry for this variant (Variation ID: 954820). For these reasons, this variant has been classified as Pathogenic.

Myriad Genetics, Inc.
Classification: Pathogenic for Lynch syndrome 5. Last evaluated: 2023-08-16. Review status: criteria provided, single submitter. Criteria: Myriad Autosomal Dominant, Autosomal Recessive and X-Linked Classification Criteria (2023). Collection method: clinical testing. Allele origin: unknown.
Comment: This variant is considered pathogenic. This variant creates a frameshift predicted to result in premature protein truncation.

Literature cited by the submitters: PubMed 18269114 (cited by Labcorp Genetics (formerly Invitae), Labcorp); PubMed 24362816 (cited by Labcorp Genetics (formerly Invitae), Labcorp).